The following is an entry in ClinVar:

ClinVar aggregate classification (germline): Likely benign. Review status: criteria provided, multiple submitters, no conflicts (2 of 4 stars). 3 submissions from 3 submitters: Likely benign (3). Last evaluated 2024-02-04.

Conditions:
VACTERL association, X-linked, with or without hydrocephalus (VACTERLX). Also called: VACTERL-H, X-LINKED; X-linked VACTERL-H syndrome; VACTERL ASSOCIATION, X-LINKED; VACTERL Association with Hydrocephalus, X-linked. Identifiers: Orphanet 3412, MedGen C2931228, MONDO:0010752, OMIM 314390.
Fanconi anemia complementation group B (FANCB). Also called: FANCONI PANCYTOPENIA, TYPE 2; FANCB-Related Fanconi Anemia. Identifiers: Orphanet 84, MedGen C1845292, MONDO:0010351, OMIM 300514.
Fanconi anemia (FA). Also called: Fanconi's anemia. Identifiers: Orphanet 84, MedGen C0015625, MeSH D005199, MONDO:0019391.

Submissions (3):

Labcorp Genetics (formerly Invitae), Labcorp
Classification: Likely benign for Fanconi anemia. Last evaluated: 2024-02-04. Review status: criteria provided, single submitter. Criteria: Invitae Variant Classification Sherloc (09022015). Collection method: clinical testing. Allele origin: germline.

CeGaT Center for Human Genetics Tuebingen
Classification: Likely benign. Last evaluated: 2023-07-01. Review status: criteria provided, single submitter. Criteria: CeGaT Center For Human Genetics Tuebingen Variant Classification Criteria Version 2. Collection method: clinical testing. Allele origin: germline. Affected: yes. Observed: 1 variant allele.
Comment: FANCB: PM2:Supporting, BP4, BP7

Fulgent Genetics
Classification: Likely benign for Fanconi anemia complementation group B; VACTERL association, X-linked, with or without hydrocephalus. Last evaluated: 2022-04-12. Review status: criteria provided, single submitter. Criteria: ACMG Guidelines, 2015. Collection method: clinical testing. Allele origin: unknown.

NM_001018113.3(FANCB):c.1767A>G (p.Thr589=)

Gene: FANCB (FA complementation group B; minus strand). Cytogenetic location: Xp22.2.
Variant type: single nucleotide variant.
Coding change: c.1767A>G on transcript NM_001018113.3 (MANE Select); coding-DNA position 1767, A replaced by G.
Protein change: p.Thr589=; no amino-acid change (threonine 589 retained).
Molecular consequence: synonymous variant.
Genome position (GRCh38, 1-based): chrX:14,845,016, T>C on the plus strand (A>G on the coding strand, the complement: FANCB is on the minus strand). VCF-style: chrX-14845016-T-C. GRCh37 (hg19) VCF-style: chrX-14863138-T-C.
Other names: c.1767A>G, p.Thr589= (NM_001324162.2, NM_152633.4).
Identifiers: ClinVar variation 1106657 (VCV001106657.33), dbSNP rs964099207, ClinGen allele CA515637090.